The following is an entry in ClinVar:

ClinVar aggregate classification (germline): Conflicting classifications of pathogenicity. Review status: criteria provided, conflicting classifications (1 of 4 stars). 12 submissions from 12 submitters: Uncertain significance (10); Benign (1); Likely benign (1). Last evaluated 2026-01-13.

Conditions:
Classic or attenuated familial adenomatous polyposis. Identifiers: MedGen CN372698, MONDO:0021057.
APC-related disorder. Also called: APC-related condition.
Carcinoma of colon (CRC). Also called: Colon carcinoma; Colonic carcinoma. Identifiers: MedGen C0699790, MONDO:0002032.
Desmoid disease, hereditary (DESMD). Also called: FIBROMATOSIS, FAMILIAL INFILTRATIVE. Identifiers: Orphanet 873, MedGen C1851124, OMIM 135290. Disease mechanism: loss of function.
Familial adenomatous polyposis 1 (FAP1). Also called: FAMILIAL ADENOMATOUS POLYPOSIS 1, ATTENUATED; POLYPOSIS, ADENOMATOUS INTESTINAL. Identifiers: MedGen C2713442, MONDO:0021056, OMIM 175100. Disease mechanism: loss of function.
Neoplasm of stomach. Also called: Neoplasm of the stomach; Gastric neoplasm; Stomach Neoplasms. Identifiers: MedGen C0038356, MONDO:0021085, HP:0006753. Disease mechanism: gain of function. Inheritance: Somatic mutation.
Hepatocellular carcinoma (HCC). Also called: Primary carcinoma of liver; HEPATOMA; LIVER CELL CARCINOMA. Identifiers: Orphanet 88673, MedGen C2239176, MONDO:0007256, OMIM 114550, HP:0001402.
Hereditary cancer-predisposing syndrome. Also called: Neoplastic Syndromes, Hereditary; Tumor predisposition; Hereditary Cancer Syndrome; Hereditary neoplastic syndrome. Identifiers: Orphanet 140162, MedGen C0027672, MeSH D009386, MONDO:0015356.

Allele frequency attached by ClinVar (database versions not stated): ExAC 0.00001; gnomAD exomes 0.00001 and 0.00002; TOPMed 0.00003; gnomAD 0.00005; ESP Exome Variant Server 0.00008.
gnomAD v4.1: 24 of 1,612,688 alleles (0.0015%); highest among the groups gnomAD compares: Admixed American, 0.0083%; no homozygotes.

Submissions (12):

PreventionGenetics, part of Exact Sciences
Classification: Uncertain significance for APC-related condition. Last evaluated: 2026-01-13. Review status: criteria provided, single submitter. Criteria: ACMG Guidelines, 2015. Collection method: clinical testing. Allele origin: germline.
Comment: The APC c.1553C>T variant is predicted to result in the amino acid substitution p.Thr518Met. This variant was reported as a variant of uncertain significance in two individuals with breast cancer (Supplementary Table 3, Guindalini et al. 2022. PubMed ID: 35264596). This variant is reported in 0.0057% of alleles in individuals of Latino descent in gnomAD and is interpreted as uncertain by the vast majority of submitters in ClinVar. At this time, the clinical significance of this variant is uncertain due to the absence of conclusive functional and genetic evidence.

Labcorp Genetics (formerly Invitae), Labcorp
Classification: Benign for Familial adenomatous polyposis 1. Last evaluated: 2026-01-05. Review status: criteria provided, single submitter. Criteria: Invitae Variant Classification Sherloc (09022015). Collection method: clinical testing. Allele origin: germline.

Quest Diagnostics Nichols Institute San Juan Capistrano
Classification: Uncertain significance. Last evaluated: 2025-08-18. Review status: criteria provided, single submitter. Criteria: Quest Diagnostics criteria. Collection method: clinical testing. Allele origin: unknown.
Comment: The APC c.1553C>T (p.Thr518Met) variant has been reported in the published literature in individuals with breast cancer (PMID: 35264596 (2022)), and in reportedly healthy individuals (PMID: 30267214 (2018)). The frequency of this variant in the general population (Genome Aggregation Database) is uninformative in the assessment of its pathogenicity. Analysis of this variant using bioinformatics tools for the prediction of the effect of amino acid changes on protein structure and function yielded predictions that this variant is damaging. Based on the available information, we are unable to determine the clinical significance of this variant.

St. Jude Molecular Pathology, St. Jude Children's Research Hospital
Classification: Uncertain significance for Familial adenomatous polyposis 1. Last evaluated: 2024-09-15. Review status: criteria provided, single submitter. Criteria: St. Jude Assertion Criteria 2020. Collection method: clinical testing. Allele origin: germline.
Comment: The APC c.1553C>T (p.Thr518Met) missense change has a maximum subpopulation frequency of 0.006% in gnomAD v2.1.1. The in silico tool REVEL is inconclusive about a pathogenic or benign effect of this variant on protein function, and to our knowledge functional studies have not been performed. To our knowledge, this variant has not been reported in the literature in individuals with APC-related disease. In summary, the evidence currently available is insufficient to determine the clinical significance of this variant. It has therefore been classified as of uncertain significance.

All of Us Research Program, National Institutes of Health
Classification: Uncertain significance for Classic or attenuated familial adenomatous polyposis. Last evaluated: 2024-08-29. Review status: criteria provided, single submitter. Criteria: ACMG Guidelines, 2015. Collection method: clinical testing. Allele origin: germline. Inheritance: Autosomal dominant inheritance. Observed: 5 variant alleles, 5 heterozygotes.
Comment: This missense variant replaces threonine with methionine at codon 518 of the APC protein. Computational prediction suggests that this variant may not impact protein structure and function (internally defined REVEL score threshold <= 0.5, PMID: 27666373). To our knowledge, functional studies have not been reported for this variant. This variant has not been reported in individuals affected with APC-related disorders in the literature. This variant has been identified in 5/282234 chromosomes in the general population by the Genome Aggregation Database (gnomAD). The available evidence is insufficient to determine the role of this variant in disease conclusively. Therefore, this variant is classified as a Variant of Uncertain Significance.

This study involves interpretation of variants in research participants for the purpose of population health screening. Participant phenotype was not available at the time of variant classification. Additional details can be found in publication PMID: 35346344, PMCID: PMC8962531

Women's Health and Genetics/Laboratory Corporation of America, LabCorp
Classification: Uncertain significance. Last evaluated: 2024-05-24. Review status: criteria provided, single submitter. Criteria: LabCorp Variant Classification Summary - May 2015. Collection method: clinical testing. Allele origin: germline.
Comment: Variant summary: APC c.1553C>T (p.Thr518Met) results in a non-conservative amino acid change in the encoded protein sequence. Four of five in-silico tools predict a damaging effect of the variant on protein function. The variant allele was found at a frequency of 1.6e-05 in 250826 control chromosomes. The available data on variant occurrences in the general population are insufficient to allow any conclusion about variant significance. c.1553C>T has been reported in the literature as a VUS in individuals affected with breast cancer without evidence for causality (e.g. Guindalini_SciRep_2022). This report does not provide unequivocal conclusions about association of the variant with Familial Adenomatous Polyposis. To our knowledge, no experimental evidence demonstrating an impact on protein function has been reported. The following publication has been ascertained in the context of this evaluation (PMID: 35264596). ClinVar contains an entry for this variant (Variation ID: 231917). Based on the evidence outlined above, the variant was classified as uncertain significance.

Ambry Genetics
Classification: Likely benign for Hereditary cancer-predisposing syndrome. Last evaluated: 2024-02-15. Review status: criteria provided, single submitter. Criteria: Ambry Variant Classification Scheme 2023. Collection method: clinical testing. Allele origin: germline.

Baylor Genetics
Classification: Uncertain significance for Familial adenomatous polyposis 1. Last evaluated: 2024-02-14. Review status: criteria provided, single submitter. Criteria: ACMG Guidelines, 2015. Collection method: clinical testing. Allele origin: unknown.

Color Diagnostics, LLC DBA Color Health
Classification: Uncertain significance for Hereditary cancer-predisposing syndrome. Last evaluated: 2023-11-30. Review status: criteria provided, single submitter. Criteria: ACMG Guidelines, 2015. Collection method: clinical testing. Allele origin: germline.
Comment: This missense variant replaces threonine with methionine at codon 518 of the APC protein. Computational prediction suggests that this variant may not impact protein structure and function (internally defined REVEL score threshold <= 0.5, PMID: 27666373). To our knowledge, functional studies have not been reported for this variant. This variant has not been reported in individuals affected with APC-related disorders in the literature. This variant has been identified in 5/282234 chromosomes in the general population by the Genome Aggregation Database (gnomAD). The available evidence is insufficient to determine the role of this variant in disease conclusively. Therefore, this variant is classified as a Variant of Uncertain Significance.

GeneDx
Classification: Uncertain significance. Last evaluated: 2023-02-01. Review status: criteria provided, single submitter. Criteria: GeneDx Variant Classification Process June 2021. Collection method: clinical testing. Allele origin: germline. Affected: yes.
Comment: Not observed at significant frequency in large population cohorts (gnomAD); In silico analysis supports that this missense variant has a deleterious effect on protein structure/function; Observed among unaffected controls, but not among 165 colorectal cancer and/or polyposis cases (Rosenthal et al., 2018); This variant is associated with the following publications: (PMID: 18199528, 30267214)

Fulgent Genetics
Classification: Uncertain significance for Colorectal cancer; Hepatocellular carcinoma; Desmoid disease, hereditary; Familial adenomatous polyposis 1; Gastric cancer. Last evaluated: 2018-10-31. Review status: criteria provided, single submitter. Criteria: ACMG Guidelines, 2015. Collection method: clinical testing. Allele origin: unknown.

Mendelics
Classification: Uncertain significance for Familial adenomatous polyposis 1. Last evaluated: 2018-07-02. Review status: criteria provided, single submitter. Criteria: Mendelics Assertion Criteria 2017. Collection method: clinical testing. Allele origin: unknown.

Literature cited by the submitters: PubMed 35264596 (cited by Quest Diagnostics Nichols Institute San Juan Capistrano and Women's Health and Genetics/Laboratory Corporation of America, LabCorp); PubMed 30267214 (cited by Quest Diagnostics Nichols Institute San Juan Capistrano and Ambry Genetics).

NM_000038.6(APC):c.1553C>T (p.Thr518Met)

Gene: APC (APC regulator of Wnt signaling pathway; plus strand). Cytogenetic location: 5q22.2.
Variant type: single nucleotide variant.
Coding change: c.1553C>T on transcript NM_000038.6 (MANE Select); coding-DNA position 1553, C replaced by T.
Protein change: p.Thr518Met; replaces threonine 518 with methionine.
Molecular consequence: missense variant.
Genome position (GRCh38, 1-based): chr5:112,827,933, C>T. VCF-style: chr5-112827933-C-T. GRCh37 (hg19) VCF-style: chr5-112163630-C-T.
Other names: c.1553C>T, p.Thr518Met (NM_001127510.3, NM_001354895.2); c.1499C>T, p.Thr500Met (NM_001127511.3); c.1607C>T, p.Thr536Met (NM_001354896.2); c.1583C>T, p.Thr528Met (NM_001354897.2); c.1478C>T, p.Thr493Met (NM_001354898.2); c.1469C>T, p.Thr490Met (NM_001354899.2); c.1430C>T, p.Thr477Met (NM_001354900.2); c.1376C>T, p.Thr459Met (NM_001354901.2); and 5 more; short protein forms T500M, T518M, T417M, T477M, T493M, T528M, T536M, T235M.
Identifiers: ClinVar variation 231917 (VCV000231917.31), dbSNP rs371453363, ClinGen allele CA028394.
Genomic context (GRCh38, chr5:112,827,933, plus strand): 5'-AAGCTTGGCTTCAAGTTGTCTTTTTAATGATCCTCTATTCTGTATTTAATTTACAGGCTA[C>T]GCTATGCTCTATGAAAGGCTGCATGAGAGCACTTGTGGCCCAACTAAAATCTGAAAGTGA-3'
Protein context (NP_000029.2, residues 508-528): LTFGDVANKA[Thr518Met]LCSMKGCMRA